The following is an entry in ClinVar:

NM_000388.4(CASR):c.1211T>G (p.Val404Gly)

Gene: CASR (calcium sensing receptor; plus strand). Cytogenetic location: 3q21.1.
Variant type: single nucleotide variant.
Coding change: c.1211T>G on transcript NM_000388.4 (MANE Select); coding-DNA position 1211, T replaced by G.
Protein change: p.Val404Gly; replaces valine 404 with glycine.
Molecular consequence: missense variant.
Genome position (GRCh38, 1-based): chr3:122,262,246, T>G. VCF-style: chr3-122262246-T-G. GRCh37 (hg19) VCF-style: chr3-121981093-T-G.
Other names: c.1211T>G, p.Val404Gly (NM_001178065.2); short protein forms V404G.
Identifiers: ClinVar variation 1001478 (VCV001001478.9), dbSNP rs2074636577, ClinGen allele CA354152831.

ClinVar aggregate classification (germline): Uncertain significance (1 of 4 stars; one submission).

Conditions:
Familial hypocalciuric hypercalcemia (FHH). Also called: Familial benign hypercalcemia. Identifiers: Orphanet 405, MedGen C1809471, MONDO:0018458.
Autosomal dominant hypocalcemia 1 (HYPOC1). Also called: HYPOCALCEMIA, FAMILIAL. Identifiers: MedGen C3715128, MONDO:0011013, OMIM 601198.

Submission:

Labcorp Genetics (formerly Invitae), Labcorp
Classification: Uncertain significance for Familial hypocalciuric hypercalcemia; Autosomal dominant hypocalcemia 1. Last evaluated: 2020-04-20. Review status: criteria provided, single submitter. Criteria: Invitae Variant Classification Sherloc (09022015). Collection method: clinical testing. Allele origin: germline.
Comment: This variant has not been reported in the literature in individuals with CASR-related conditions. Algorithms developed to predict the effect of missense changes on protein structure and function (SIFT, PolyPhen-2, Align-GVGD) all suggest that this variant is likely to be disruptive, but these predictions have not been confirmed by published functional studies and their clinical significance is uncertain. In summary, the available evidence is currently insufficient to determine the role of this variant in disease. Therefore, it has been classified as a Variant of Uncertain Significance. This variant is not present in population databases (ExAC no frequency). This sequence change replaces valine with glycine at codon 404 of the CASR protein (p.Val404Gly). The valine residue is highly conserved and there is a moderate physicochemical difference between valine and glycine.